The following is an entry in ClinVar:

NM_001374828.1(ARID1B):c.1341G>A (p.Gly447=)

Gene: ARID1B (AT-rich interaction domain 1B; plus strand). Cytogenetic location: 6q25.3.
Variant type: single nucleotide variant.
Coding change: c.1341G>A on transcript NM_001374828.1 (MANE Select); coding-DNA position 1341, G replaced by A.
Protein change: p.Gly447=; no amino-acid change (glycine 447 retained).
Molecular consequence: synonymous variant.
Genome position (GRCh38, 1-based): chr6:156,779,021, G>A. VCF-style: chr6-156779021-G-A. GRCh37 (hg19) VCF-style: chr6-157100155-G-A.
Other names: c.1092G>A, p.Gly364= (NM_001346813.1, NM_020732.3); c.1341G>A, p.Gly447= (NM_001371656.1, NM_001374820.1, NM_017519.3); c.918G>A, p.Gly306= (NM_175863.2).
Identifiers: ClinVar variation 2085142 (VCV002085142.28), dbSNP rs951888407, ClinGen allele CA150802774.
Genomic context (GRCh38, chr6:156,779,021, plus strand): 5'-GGCGGCGGCGGCAGCAGCAGGAGGCGGCGGCGGCGGCGGCTATGGGGGCTCGTCCGCGGG[G>A]TACGGGGTGCTGAGCTCCCCCCGGCAGCAGGGCGGCGGCATGATGATGGGCCCCGGGGGC-3'
Protein context (NP_001361757.1, residues 437-457): GGGGYGGSSA[Gly447=]YGVLSSPRQQ

ClinVar aggregate classification (germline): Likely benign. Review status: criteria provided, multiple submitters, no conflicts (2 of 4 stars). 2 submissions from 2 submitters: Likely benign (2). Last evaluated 2025-04-08.

Allele frequency attached by ClinVar (database versions not stated): gnomAD exomes 0.00003; gnomAD 0.00004.
gnomAD v4.1: 37 of 1,253,976 alleles (0.003%); highest among the groups gnomAD compares: Non-Finnish European, 0.00089%; no homozygotes.

Submissions (2):

Labcorp Genetics (formerly Invitae), Labcorp
Classification: Likely benign. Last evaluated: 2025-04-08. Review status: criteria provided, single submitter. Criteria: Invitae Variant Classification Sherloc (09022015). Collection method: clinical testing. Allele origin: germline.

CeGaT Center for Human Genetics Tuebingen
Classification: Likely benign. Last evaluated: 2023-01-01. Review status: criteria provided, single submitter. Criteria: CeGaT Center For Human Genetics Tuebingen Variant Classification Criteria Version 2. Collection method: clinical testing. Allele origin: germline. Affected: yes. Observed: 1 variant allele.
Comment: ARID1B: BP4, BP7